The following is an entry in ClinVar:

NM_001130144.3(LTBP3):c.3905G>A (p.Arg1302His)

Gene: LTBP3 (latent transforming growth factor beta binding protein 3; minus strand). Cytogenetic location: 11q13.1.
Variant type: single nucleotide variant.
Coding change: c.3905G>A on transcript NM_001130144.3 (MANE Select); coding-DNA position 3905, G replaced by A.
Protein change: p.Arg1302His; replaces arginine 1302 with histidine.
Molecular consequence: missense variant.
Genome position (GRCh38, 1-based): chr11:65,539,087, C>T on the plus strand (G>A on the coding strand, the complement: LTBP3 is on the minus strand). VCF-style: chr11-65539087-C-T. GRCh37 (hg19) VCF-style: chr11-65306558-C-T.
Other names: c.3905G>A (NM_001130144.2); c.3413G>A, p.Arg1138His (NM_001164266.1); c.3764G>A, p.Arg1255His (NM_021070.4); short protein forms R1255H, R1302H, R1138H.
Identifiers: ClinVar variation 1973170 (VCV001973170.8), dbSNP rs775282370, ClinGen allele CA6100166.

ClinVar aggregate classification (germline): Uncertain significance. Review status: criteria provided, multiple submitters, no conflicts (2 of 4 stars). 3 submissions from 3 submitters: Uncertain significance (3). Last evaluated 2025-12-15.

Conditions:
Inborn genetic diseases. Identifiers: MedGen C0950123, MeSH D030342.
Brachyolmia-amelogenesis imperfecta syndrome. Also called: PLATYSPONDYLY WITH AMELOGENESIS IMPERFECTA; Tooth agenesis, selective, 6; Dental anomalies and short stature. Identifiers: Orphanet 2899, MedGen C1832594, MONDO:0011018, OMIM 601216. Disease mechanism: loss of function.

Allele frequency attached by ClinVar (database versions not stated): gnomAD 0.00007; TOPMed 0.00005.
gnomAD v4.1: 45 of 1,405,538 alleles (0.0032%); highest among the groups gnomAD compares: Admixed American, 0.068%; no homozygotes.

Submissions (3):

Labcorp Genetics (formerly Invitae), Labcorp
Classification: Uncertain significance for Brachyolmia-amelogenesis imperfecta syndrome. Last evaluated: 2025-12-15. Review status: criteria provided, single submitter. Criteria: Invitae Variant Classification Sherloc (09022015). Collection method: clinical testing. Allele origin: germline.
Comment: This sequence change replaces arginine, which is basic and polar, with histidine, which is basic and polar, at codon 1302 of the LTBP3 protein (p.Arg1302His). This variant is present in population databases (rs775282370, gnomAD 0.09%). This variant has not been reported in the literature in individuals affected with LTBP3-related conditions. ClinVar contains an entry for this variant (Variation ID: 1973170). An algorithm developed to predict the effect of missense changes on protein structure and function (PolyPhen-2) suggests that this variant is likely to be disruptive. In summary, the available evidence is currently insufficient to determine the role of this variant in disease. Therefore, it has been classified as a Variant of Uncertain Significance.

Ambry Genetics
Classification: Uncertain significance for Inborn genetic diseases. Last evaluated: 2022-11-19. Review status: criteria provided, single submitter. Criteria: Ambry Variant Classification Scheme 2023. Collection method: clinical testing. Allele origin: germline.
Comment: The p.R1302H variant (also known as c.3905G>A), located in coding exon 28 of the LTBP3 gene, results from a G to A substitution at nucleotide position 3905. The arginine at codon 1302 is replaced by histidine, an amino acid with highly similar properties. This amino acid position is conserved. In addition, this alteration is predicted to be tolerated by in silico analysis. Since supporting evidence is limited at this time, the clinical significance of this alteration remains unclear.

Breakthrough Genomics
Classification: Uncertain significance. Review status: criteria provided, single submitter. Criteria: ACMG Guidelines, 2015. Collection method: not provided. Allele origin: germline. Inheritance: Autosomal recessive inheritance. Affected: yes.